The following is an entry in ClinVar:

NM_001292063.2(OTOG):c.1760T>C (p.Ile587Thr)

Gene: OTOG (otogelin; plus strand). Cytogenetic location: 11p15.1.
Variant type: single nucleotide variant.
Coding change: c.1760T>C on transcript NM_001292063.2 (MANE Select); coding-DNA position 1760, T replaced by C.
Protein change: p.Ile587Thr; replaces isoleucine 587 with threonine.
Molecular consequence: missense variant.
Genome position (GRCh38, 1-based): chr11:17,569,271, T>C. VCF-style: chr11-17569271-T-C. GRCh37 (hg19) VCF-style: chr11-17590818-T-C.
Other names: c.1796T>C, p.Ile599Thr (NM_001277269.2); short protein forms I587T, I599T.
Identifiers: ClinVar variation 680250 (VCV000680250.3), dbSNP rs751269089, ClinGen allele CA5905528.

ClinVar aggregate classification (germline): Uncertain significance (1 of 4 stars; one submission).

Allele frequency attached by ClinVar (database versions not stated): gnomAD exomes 0.00001 and 0.00005; ExAC 0.00006; TOPMed 0.00010; gnomAD 0.00013 and 0.00015.
gnomAD v4.1: 31 of 1,550,406 alleles (0.002%); highest among the groups gnomAD compares: African/African-American, 0.038%; no homozygotes.

Submission:

GeneDx
Classification: Uncertain significance. Last evaluated: 2025-04-03. Review status: criteria provided, single submitter. Criteria: GeneDx Variant Classification Process June 2021. Collection method: clinical testing. Allele origin: germline. Affected: yes.
Comment: In silico analysis indicates that this missense variant does not alter protein structure/function; Has not been previously published as pathogenic or benign to our knowledge